The following is an entry in ClinVar:

ClinVar aggregate classification (germline): Uncertain significance (1 of 4 stars; one submission).

Conditions:
Hereditary cancer-predisposing syndrome. Also called: Hereditary Cancer Syndrome; Hereditary neoplastic syndrome; Neoplastic Syndromes, Hereditary; Tumor predisposition. Identifiers: Orphanet 140162, MedGen C0027672, MeSH D009386, MONDO:0015356.

Submission:

Ambry Genetics
Classification: Uncertain significance for Hereditary cancer-predisposing syndrome. Last evaluated: 2025-09-01. Review status: criteria provided, single submitter. Criteria: Ambry Variant Classification Scheme 2023. Collection method: clinical testing. Allele origin: germline.
Comment: The p.A253G variant (also known as c.758C>G), located in coding exon 7 of the FANCC gene, results from a C to G substitution at nucleotide position 758. The alanine at codon 253 is replaced by glycine, an amino acid with similar properties. This amino acid position is conserved. In addition, this alteration is predicted to be tolerated by in silico analysis. Based on the available evidence, the clinical significance of this variant remains unclear.

NM_000136.3(FANCC):c.758C>G (p.Ala253Gly)

Genes: AOPEP (aminopeptidase O (putative); plus strand), FANCC (FA complementation group C; minus strand). Cytogenetic location: 9q22.32.
Variant type: single nucleotide variant.
Coding change: c.758C>G on transcript NM_000136.3 (MANE Select); coding-DNA position 758, C replaced by G.
Protein change: p.Ala253Gly; replaces alanine 253 with glycine.
Molecular consequence: missense variant.
Genome position (GRCh38, 1-based): chr9:95,135,431, G>C on the plus strand (C>G on the coding strand, the complement: FANCC is on the minus strand). VCF-style: chr9-95135431-G-C. GRCh37 (hg19) VCF-style: chr9-97897713-G-C.
Other names: c.758C>G, p.Ala253Gly (NM_001243743.2, NM_001243744.2); short protein forms A253G.
Identifiers: ClinVar variation 4254400 (VCV004254400.1).